The following is an entry in ClinVar:

NM_199420.4(POLQ):c.5762A>G (p.Gln1921Arg)

Gene: POLQ (DNA polymerase theta; minus strand). Cytogenetic location: 3q13.33.
Variant type: single nucleotide variant.
Coding change: c.5762A>G on transcript NM_199420.4 (MANE Select); coding-DNA position 5762, A replaced by G.
Protein change: p.Gln1921Arg; replaces glutamine 1921 with arginine.
Molecular consequence: missense variant.
Genome position (GRCh38, 1-based): chr3:121,485,052, T>C on the plus strand (A>G on the coding strand, the complement: POLQ is on the minus strand). VCF-style: chr3-121485052-T-C. GRCh37 (hg19) VCF-style: chr3-121203899-T-C.
Other names: short protein forms Q1921R.
Identifiers: ClinVar variation 3422467 (VCV003422467.1).

ClinVar aggregate classification (germline): Uncertain significance (1 of 4 stars; one submission).

Submission:

Ambry Genetics
Classification: Uncertain significance. Last evaluated: 2024-07-24. Review status: criteria provided, single submitter. Criteria: Ambry Variant Classification Scheme 2023. Collection method: clinical testing. Allele origin: germline.
Comment: The p.Q1921R variant (also known as c.5762A>G), located in coding exon 17 of the POLQ gene, results from an A to G substitution at nucleotide position 5762. The glutamine at codon 1921 is replaced by arginine, an amino acid with highly similar properties. This amino acid position is conserved. In addition, this alteration is predicted to be tolerated by in silico analysis. Based on the available evidence, the clinical significance of this variant remains unclear.